The following is an entry in ClinVar:

ClinVar aggregate classification (germline): Uncertain significance (1 of 4 stars; one submission).

Conditions:
Arginine:glycine amidinotransferase deficiency (CCDS3). Also called: AGAT deficiency; L-Arginine:Glycine Amidinotransferase Deficiency; Creatine deficiency syndrome due to AGAT deficiency; GATM deficiency; L-Arginine:Glycine Amidinotransferase (AGAT) Deficiency; Cerebral creatine deficiency syndrome 3. Identifiers: Orphanet 35704, MedGen C2675179, MONDO:0012996, OMIM 612718.

Submission:

Labcorp Genetics (formerly Invitae), Labcorp
Classification: Uncertain significance for Arginine:glycine amidinotransferase deficiency. Last evaluated: 2024-12-08. Review status: criteria provided, single submitter. Criteria: Invitae Variant Classification Sherloc (09022015). Collection method: clinical testing. Allele origin: germline.
Comment: This sequence change replaces arginine, which is basic and polar, with serine, which is neutral and polar, at codon 263 of the GATM protein (p.Arg263Ser). This variant is not present in population databases (gnomAD no frequency). This variant has not been reported in the literature in individuals affected with GATM-related conditions. Invitae Evidence Modeling of protein sequence and biophysical properties (such as structural, functional, and spatial information, amino acid conservation, physicochemical variation, residue mobility, and thermodynamic stability) has been performed for this missense variant. However, the output from this modeling did not meet the statistical confidence thresholds required to predict the impact of this variant on GATM protein function. In summary, the available evidence is currently insufficient to determine the role of this variant in disease. Therefore, it has been classified as a Variant of Uncertain Significance.

NM_001482.3(GATM):c.789A>T (p.Arg263Ser)

Gene: GATM (glycine amidinotransferase; minus strand). Cytogenetic location: 15q21.1.
Variant type: single nucleotide variant.
Coding change: c.789A>T on transcript NM_001482.3 (MANE Select); coding-DNA position 789, A replaced by T.
Protein change: p.Arg263Ser; replaces arginine 263 with serine.
Molecular consequence: missense variant.
Genome position (GRCh38, 1-based): chr15:45,366,395, T>A on the plus strand (A>T on the coding strand, the complement: GATM is on the minus strand). VCF-style: chr15-45366395-T-A. GRCh37 (hg19) VCF-style: chr15-45658593-T-A.
Other names: c.402A>T, p.Arg134Ser (NM_001321015.2); short protein forms R134S, R263S.
Identifiers: ClinVar variation 3721171 (VCV003721171.2).